The following is an entry in ClinVar:

NM_000198.4(HSD3B2):c.295G>T (p.Val99Phe)

Gene: HSD3B2 (hydroxy-delta-5-steroid dehydrogenase, 3 beta- and steroid delta-isomerase 2; plus strand). Cytogenetic location: 1p12.
Variant type: single nucleotide variant.
Coding change: c.295G>T on transcript NM_000198.4 (MANE Select); coding-DNA position 295, G replaced by T.
Protein change: p.Val99Phe; replaces valine 99 with phenylalanine.
Molecular consequence: missense variant.
Genome position (GRCh38, 1-based): chr1:119,419,570, G>T. VCF-style: chr1-119419570-G-T. GRCh37 (hg19) VCF-style: chr1-119962193-G-T.
Other names: c.295G>T, p.Val99Phe (NM_001166120.2); short protein forms V99F.
Identifiers: ClinVar variation 1709722 (VCV001709722.2), dbSNP rs2526383522, ClinGen allele CA341395483.

ClinVar aggregate classification (germline): Uncertain significance (1 of 4 stars; one submission).

Conditions:
3 beta-Hydroxysteroid dehydrogenase deficiency. Also called: Congenital adrenal hyperplasia due to 3-beta-hydroxysteroid dehydrogenase deficiency; 3b-hydroxysteroid dehydrogenase deficiency; ADRENAL HYPERPLASIA, CONGENITAL, DUE TO 3-BETA-HYDROXYSTEROID DEHYDROGENASE 2 DEFICIENCY; 3-BETA-HSD DEFICIENCY; ADRENAL HYPERPLASIA II. Identifiers: Orphanet 90791, MedGen C0342471, MeSH C538236, MONDO:0008727, OMIM 201810. Disease mechanism: loss of function.

Submission:

MGZ Medical Genetics Center
Classification: Uncertain significance for 3 beta-Hydroxysteroid dehydrogenase deficiency. Last evaluated: 2022-08-03. Review status: criteria provided, single submitter. Criteria: ACMG Guidelines, 2015. Collection method: clinical testing. Allele origin: germline. Affected: yes. Observed: 1 variant allele.
Comment: ACMG criteria applied: PM2_SUP, PP3